The following is an entry in ClinVar:

NM_001035.3(RYR2):c.12144C>G (p.Phe4048Leu)

Gene: RYR2 (ryanodine receptor 2; plus strand). Cytogenetic location: 1q43.
Variant type: single nucleotide variant.
Coding change: c.12144C>G on transcript NM_001035.3 (MANE Select); coding-DNA position 12144, C replaced by G.
Protein change: p.Phe4048Leu; replaces phenylalanine 4048 with leucine.
Molecular consequence: missense variant.
Genome position (GRCh38, 1-based): chr1:237,783,856, C>G. VCF-style: chr1-237783856-C-G. GRCh37 (hg19) VCF-style: chr1-237947156-C-G.
Other names: short protein forms F4048L.
Identifiers: ClinVar variation 1320343 (VCV001320343.6), dbSNP rs774515681, ClinGen allele CA085132.

ClinVar aggregate classification (germline): Uncertain significance. Review status: criteria provided, multiple submitters, no conflicts (2 of 4 stars). 4 submissions from 4 submitters: Uncertain significance (4). Last evaluated 2025-03-23.

Conditions:
Catecholaminergic polymorphic ventricular tachycardia (CVPT). Also called: Catecholamine-induced polymorphic ventricular tachycardia. Identifiers: Orphanet 3286, MedGen C5574922, MONDO:0017990.
Cardiomyopathy (CMYO). Also called: Cardiomyopathies. Identifiers: Orphanet 167848, MedGen C0878544, MONDO:0004994, HP:0001638. Inheritance: Various modes of inheritance.
Catecholaminergic polymorphic ventricular tachycardia 1. Also called: RYR2-Related Catecholaminergic Polymorphic Ventricular Tachycardia; VENTRICULAR TACHYCARDIA, CATECHOLAMINERGIC POLYMORPHIC, 1, WITH OR WITHOUT ATRIAL DYSFUNCTION AND/OR DILATED CARDIOMYOPATHY; VENTRICULAR TACHYCARDIA, STRESS-INDUCED POLYMORPHIC 1. Identifiers: Orphanet 3286, MedGen C1631597, MONDO:0011484, OMIM 604772.

Allele frequency attached by ClinVar (database versions not stated): gnomAD exomes below 0.00001 and 0.00002; ExAC 0.00001; gnomAD 0.00001.
gnomAD v4.1: 32 of 1,613,694 alleles (0.002%); highest among the groups gnomAD compares: Non-Finnish European, 0.0026%; no homozygotes.

Submissions (4):

Labcorp Genetics (formerly Invitae), Labcorp
Classification: Uncertain significance for Catecholaminergic polymorphic ventricular tachycardia 1. Last evaluated: 2025-03-23. Review status: criteria provided, single submitter. Criteria: Invitae Variant Classification Sherloc (09022015). Collection method: clinical testing. Allele origin: germline.
Comment: This sequence change replaces phenylalanine, which is neutral and non-polar, with leucine, which is neutral and non-polar, at codon 4048 of the RYR2 protein (p.Phe4048Leu). This variant is present in population databases (rs774515681, gnomAD 0.002%). This variant has not been reported in the literature in individuals affected with RYR2-related conditions. ClinVar contains an entry for this variant (Variation ID: 1320343). Invitae Evidence Modeling of protein sequence and biophysical properties (such as structural, functional, and spatial information, amino acid conservation, physicochemical variation, residue mobility, and thermodynamic stability) has been performed for this missense variant. However, the output from this modeling did not meet the statistical confidence thresholds required to predict the impact of this variant on RYR2 protein function. In summary, the available evidence is currently insufficient to determine the role of this variant in disease. Therefore, it has been classified as a Variant of Uncertain Significance.

All of Us Research Program, National Institutes of Health
Classification: Uncertain significance for Catecholaminergic polymorphic ventricular tachycardia. Last evaluated: 2024-04-16. Review status: criteria provided, single submitter. Criteria: ACMG Guidelines, 2015. Collection method: clinical testing. Allele origin: germline. Inheritance: Autosomal dominant inheritance. Observed: 2 variant alleles, 2 heterozygotes.
Comment: This missense variant replaces phenylalanine with leucine at codon 4048 of the RYR2 protein. Computational prediction is inconclusive regarding the impact of this variant on protein structure and function (internally defined REVEL score threshold 0.5 < inconclusive < 0.7, PMID: 27666373). To our knowledge, functional studies have not been reported for this variant. This variant has not been reported in individuals affected with RYR2-related disorders in the literature. This variant has been identified in 2/279818 chromosomes in the general population by the Genome Aggregation Database (gnomAD). The available evidence is insufficient to determine the role of this variant in disease conclusively. Therefore, this variant is classified as a Variant of Uncertain Significance.

This study involves interpretation of variants in research participants for the purpose of population health screening. Participant phenotype was not available at the time of variant classification. Additional details can be found in publication PMID: 35346344, PMCID: PMC8962531

Color Diagnostics, LLC DBA Color Health
Classification: Uncertain significance for Cardiomyopathy. Last evaluated: 2024-03-06. Review status: criteria provided, single submitter. Criteria: ACMG Guidelines, 2015. Collection method: clinical testing. Allele origin: germline.
Comment: This missense variant replaces phenylalanine with leucine at codon 4048 of the RYR2 protein. Computational prediction is inconclusive regarding the impact of this variant on protein structure and function. To our knowledge, functional studies have not been reported for this variant. This variant has not been reported in individuals affected with RYR2-related disorders in the literature. This variant has been identified in 2/279818 chromosomes in the general population by the Genome Aggregation Database (gnomAD). The available evidence is insufficient to determine the role of this variant in disease conclusively. Therefore, this variant is classified as a Variant of Uncertain Significance.

GeneDx
Classification: Uncertain significance. Last evaluated: 2020-04-20. Review status: criteria provided, single submitter. Criteria: GeneDx Variant Classification Process June 2021. Collection method: clinical testing. Allele origin: germline. Affected: yes.
Comment: Not observed at a significant frequency in large population cohorts (Lek et al., 2016); In silico analysis supports that this missense variant has a deleterious effect on protein structure/function; Has not been previously published as pathogenic or benign to our knowledge